The following is an entry in ClinVar:

NM_015047.3(EMC1):c.437T>C (p.Leu146Pro)

Gene: EMC1 (ER membrane protein complex subunit 1; minus strand). Cytogenetic location: 1p36.13.
Variant type: single nucleotide variant.
Coding change: c.437T>C on transcript NM_015047.3 (MANE Select); coding-DNA position 437, T replaced by C.
Protein change: p.Leu146Pro; replaces leucine 146 with proline.
Molecular consequence: missense variant.
Genome position (GRCh38, 1-based): chr1:19,242,417, A>G on the plus strand (T>C on the coding strand, the complement: EMC1 is on the minus strand). VCF-style: chr1-19242417-A-G. GRCh37 (hg19) VCF-style: chr1-19568911-A-G.
Other names: c.437T>C, p.Leu146Pro (NM_001271427.2, NM_001271428.2, NM_001375820.1 and 1 more transcripts); c.371T>C, p.Leu124Pro (NM_001271429.2); short protein forms L146P, L124P.
Identifiers: ClinVar variation 3653251 (VCV003653251.2).

ClinVar aggregate classification (germline): Uncertain significance (1 of 4 stars; one submission).

gnomAD v4.1: 5 of 1,614,192 alleles (0.00031%); highest among the groups gnomAD compares: South Asian, 0.0044%; no homozygotes.

Submission:

Labcorp Genetics (formerly Invitae), Labcorp
Classification: Uncertain significance. Last evaluated: 2024-05-13. Review status: criteria provided, single submitter. Criteria: Invitae Variant Classification Sherloc (09022015). Collection method: clinical testing. Allele origin: germline.
Comment: This sequence change replaces leucine, which is neutral and non-polar, with proline, which is neutral and non-polar, at codon 146 of the EMC1 protein (p.Leu146Pro). This variant is present in population databases (rs747259745, gnomAD 0.006%). This variant has not been reported in the literature in individuals affected with EMC1-related conditions. Advanced modeling of protein sequence and biophysical properties (such as structural, functional, and spatial information, amino acid conservation, physicochemical variation, residue mobility, and thermodynamic stability) performed at Invitae indicates that this missense variant is expected to disrupt EMC1 protein function with a positive predictive value of 80%. In summary, the available evidence is currently insufficient to determine the role of this variant in disease. Therefore, it has been classified as a Variant of Uncertain Significance.